The following is an entry in ClinVar:

NM_002299.4(LCT):c.1309G>A (p.Ala437Thr)

Genes: LCT (lactase; minus strand), LOC126806353 (BRD4-independent group 4 enhancer GRCh37_chr2:136574960-136576159; plus strand). Cytogenetic location: 2q21.3.
Variant type: single nucleotide variant.
Coding change: c.1309G>A on transcript NM_002299.4 (MANE Select); coding-DNA position 1309, G replaced by A.
Protein change: p.Ala437Thr; replaces alanine 437 with threonine.
Molecular consequence: missense variant.
Genome position (GRCh38, 1-based): chr2:135,817,739, C>T on the plus strand (G>A on the coding strand, the complement: LCT is on the minus strand). VCF-style: chr2-135817739-C-T. GRCh37 (hg19) VCF-style: chr2-136575309-C-T.
Other names: short protein forms A437T.
Identifiers: ClinVar variation 1514992 (VCV001514992.5), dbSNP rs142342109, ClinGen allele CA1888409.

ClinVar aggregate classification (germline): Uncertain significance (1 of 4 stars; one submission).

Allele frequency attached by ClinVar (database versions not stated): gnomAD exomes 0.00003 and 0.00008; ExAC 0.00014; gnomAD 0.00035 and 0.00036; TOPMed 0.00038; 1000 Genomes Project 0.00040; 1000 Genomes Project 30x 0.00047; ESP Exome Variant Server 0.00062.
gnomAD v4.1: 103 of 1,614,070 alleles (0.0064%); highest among the groups gnomAD compares: African/African-American, 0.13%; no homozygotes.

Submission:

Labcorp Genetics (formerly Invitae), Labcorp
Classification: Uncertain significance. Last evaluated: 2024-12-16. Review status: criteria provided, single submitter. Criteria: Invitae Variant Classification Sherloc (09022015). Collection method: clinical testing. Allele origin: germline.
Comment: This sequence change replaces alanine, which is neutral and non-polar, with threonine, which is neutral and polar, at codon 437 of the LCT protein (p.Ala437Thr). This variant is present in population databases (rs142342109, gnomAD 0.1%). This variant has not been reported in the literature in individuals affected with LCT-related conditions. ClinVar contains an entry for this variant (Variation ID: 1514992). An algorithm developed to predict the effect of missense changes on protein structure and function (PolyPhen-2) suggests that this variant¬†is likely to be tolerated. In summary, the available evidence is currently insufficient to determine the role of this variant in disease. Therefore, it has been classified as a Variant of Uncertain Significance.